The following is an entry in ClinVar:

NM_194318.4(B3GLCT):c.881_889del (p.Gln294_Ser296del)

Gene: B3GLCT (beta 3-glucosyltransferase; plus strand). Cytogenetic location: 13q12.3.
Variant type: Deletion.
Coding change: c.881_889del on transcript NM_194318.4 (MANE Select); coding-DNA positions 881 to 889, 9 bases deleted (AGGCAAGTC; older notation c.881_889delAGGCAAGTC).
Protein change: p.Gln294_Ser296del.
Molecular consequence: inframe deletion.
Genome position (GRCh38, 1-based): chr13:31,284,678-31,284,686, AGGCAAGTC deleted; deleting any 9 consecutive bases within chr13:31,284,677-31,284,686 gives the same sequence; the c. name uses the placement nearest the transcript's 3' end. VCF-style (leftmost placement, unchanged base first): chr13-31284676-CCAGGCAAGT-C. GRCh37 (hg19) VCF-style: chr13-31858813-CCAGGCAAGT-C.
Identifiers: ClinVar variation 2431467 (VCV002431467.1), dbSNP rs759403205, ClinGen allele CA6936755.
Genomic context (GRCh38, chr13:31,284,676, plus strand): 5'-GCCAGTGATTGTCACCTCTGTAATTTTTTCAGTACCTATTGTTAAGCAGACTTGGGAGAG[CCAGGCAAGT>C]CTCATTGAATACTATAGTGACTATACTGAAAATTCCATTCCTACTGTGGATTTGGGAATT-3'

ClinVar aggregate classification (germline): Uncertain significance (1 of 4 stars; one submission).

Conditions:
Peters plus syndrome. Also called: KRAUSE-KIVLIN SYNDROME. Identifiers: Orphanet 709, MedGen C0796012, MONDO:0009856, OMIM 261540.

Submission:

Laboratorio de Genetica e Diagnostico Molecular, Hospital Israelita Albert Einstein
Classification: Uncertain significance for Peters plus syndrome. Last evaluated: 2023-01-23. Review status: criteria provided, single submitter. Criteria: ACMG Guidelines, 2015. Collection method: clinical testing. Allele origin: germline. Affected: yes. Observed: 1 variant allele.
Comment: ACMG classification criteria: PM2 supporting, PM4